The following is an entry in ClinVar:

ClinVar aggregate classification (germline): Uncertain significance (1 of 4 stars; one submission).

Conditions:
Cohen syndrome (COH1). Also called: Cutis verticis gyrata, retinitis pigmentosa, and sensorineural deafness; PEPPER SYNDROME. Identifiers: Orphanet 193, MedGen C0265223, MONDO:0008999, OMIM 216550.

Submission:

Labcorp Genetics (formerly Invitae), Labcorp
Classification: Uncertain significance for Cohen syndrome. Last evaluated: 2020-10-18. Review status: criteria provided, single submitter. Criteria: Invitae Variant Classification Sherloc (09022015). Collection method: clinical testing. Allele origin: germline.
Comment: In summary, the available evidence is currently insufficient to determine the role of this variant in disease. Therefore, it has been classified as a Variant of Uncertain Significance. Experimental studies and prediction algorithms are not available or were not evaluated, and the functional significance of this variant is currently unknown. This variant has not been reported in the literature in individuals with VPS13B-related conditions. This variant is a gross deletion of the genomic region encompassing exon(s) 28-30 of the VPS13B gene. This variant would be expected to be in-frame, preserving the integrity of the reading frame.

NC_000008.10:g.(?_100519978)_(100533258_?)del

Gene: VPS13B (vacuolar protein sorting 13 homolog B; plus strand). Cytogenetic location: 8q22.2.
Variant type: Deletion.
Identifiers: ClinVar variation 1023708 (VCV001023708.7).